The following is an entry in ClinVar:

NM_003835.4(RGS9):c.1322G>A (p.Arg441His)

Gene: RGS9 (regulator of G protein signaling 9; plus strand). Cytogenetic location: 17q24.1.
Variant type: single nucleotide variant.
Coding change: c.1322G>A on transcript NM_003835.4 (MANE Select); coding-DNA position 1322, G replaced by A.
Protein change: p.Arg441His; replaces arginine 441 with histidine.
Molecular consequence: missense variant.
Genome position (GRCh38, 1-based): chr17:65,210,520, G>A. VCF-style: chr17-65210520-G-A. GRCh37 (hg19) VCF-style: chr17-63206638-G-A.
Other names: c.1313G>A, p.Arg438His (NM_001081955.3, NM_001165933.2); c.1322G>A (NM_003835.3); short protein forms R438H, R441H.
Identifiers: ClinVar variation 1512853 (VCV001512853.6), dbSNP rs371105218, ClinGen allele CA8718008.
Genomic context (GRCh38, chr17:65,210,520, plus strand): 5'-CCAACCACCAATCTGTCCTTCCTTCCAGCTCCACCCTCCCTTTTATGCGGCGTCACCTGC[G>A]CTCCAGCCCAAGCCCTGTCATCCTGAGACAGCTGGAAGAGGAAGCCAAGGCCCGAGAAGC-3'
Protein context (NP_003826.2, residues 431-451): STLPFMRRHL[Arg441His]SSPSPVILRQ

ClinVar aggregate classification (germline): Uncertain significance. Review status: criteria provided, multiple submitters, no conflicts (2 of 4 stars). 2 submissions from 2 submitters: Uncertain significance (2). Last evaluated 2025-02-22.

Conditions:
Inborn genetic diseases. Identifiers: MedGen C0950123, MeSH D030342.

Allele frequency attached by ClinVar (database versions not stated): ExAC 0.00001; gnomAD exomes 0.00002 and 0.00003; ESP Exome Variant Server 0.00008; 1000 Genomes Project 30x 0.00016; 1000 Genomes Project 0.00040.
gnomAD v4.1: 54 of 1,613,716 alleles (0.0033%); highest among the groups gnomAD compares: African/African-American, 0.0093%; no homozygotes.

Submissions (2):

Ambry Genetics
Classification: Uncertain significance for Inborn genetic diseases. Last evaluated: 2025-02-22. Review status: criteria provided, single submitter. Criteria: Ambry Variant Classification Scheme 2023. Collection method: clinical testing. Allele origin: germline.

Labcorp Genetics (formerly Invitae), Labcorp
Classification: Uncertain significance. Last evaluated: 2023-10-13. Review status: criteria provided, single submitter. Criteria: Invitae Variant Classification Sherloc (09022015). Collection method: clinical testing. Allele origin: germline.
Comment: This sequence change replaces arginine, which is basic and polar, with histidine, which is basic and polar, at codon 441 of the RGS9 protein (p.Arg441His). This variant is present in population databases (rs371105218, gnomAD 0.008%). This variant has not been reported in the literature in individuals affected with RGS9-related conditions. ClinVar contains an entry for this variant (Variation ID: 1512853). Advanced modeling of protein sequence and biophysical properties (such as structural, functional, and spatial information, amino acid conservation, physicochemical variation, residue mobility, and thermodynamic stability) performed at Invitae indicates that this missense variant is not expected to disrupt RGS9 protein function. In summary, the available evidence is currently insufficient to determine the role of this variant in disease. Therefore, it has been classified as a Variant of Uncertain Significance.